The following is an entry in ClinVar:

NM_000051.4(ATM):c.3314C>G (p.Ser1105Cys)

Gene: ATM (ATM serine/threonine kinase; plus strand). Cytogenetic location: 11q22.3.
Variant type: single nucleotide variant.
Coding change: c.3314C>G on transcript NM_000051.4 (MANE Select); coding-DNA position 3314, C replaced by G.
Protein change: p.Ser1105Cys; replaces serine 1105 with cysteine.
Molecular consequence: missense variant.
Genome position (GRCh38, 1-based): chr11:108,279,520, C>G. VCF-style: chr11-108279520-C-G. GRCh37 (hg19) VCF-style: chr11-108150247-C-G.
Other names: c.3314C>G, p.Ser1105Cys (NM_001351834.2); short protein forms S1105C.
Identifiers: ClinVar variation 2133415 (VCV002133415.4), dbSNP rs141999815, ClinGen allele CA382517444.
Genomic context (GRCh38, chr11:108,279,520, plus strand): 5'-TTTGTTTGTTTGTTTGCTTGCTTGTTTTAAGATTGTTCCAGGACACGAAGGGAGATTCTT[C>G]CAGGTTACTGAAAGCACTTCCTTTGAAGCTTCAGCAAACAGCTTTTGAAAATGCATACTT-3'
Protein context (NP_000042.3, residues 1095-1115): RLFQDTKGDS[Ser1105Cys]RLLKALPLKL

ClinVar aggregate classification (germline): Uncertain significance (1 of 4 stars; one submission).

Conditions:
Ataxia-telangiectasia syndrome (AT). Also called: Cerebello-oculocutaneous telangiectasia; Immunodeficiency with ataxia telangiectasia; Ataxia-telangiectasia, complementation group D; Ataxia telangiectasia (A-T); ATAXIA-TELANGIECTASIA, COMPLEMENTATION GROUP A; ATAXIA-TELANGIECTASIA, FRESNO VARIANT. Identifiers: Orphanet 100, MedGen C0004135, MONDO:0008840, OMIM 208900.

gnomAD v4.1: 1 of 1,612,888 alleles (0.000062%); highest among the groups gnomAD compares: South Asian, 0.0011%; no homozygotes.

Submission:

Labcorp Genetics (formerly Invitae), Labcorp
Classification: Uncertain significance for Ataxia-telangiectasia syndrome. Last evaluated: 2022-05-04. Review status: criteria provided, single submitter. Criteria: Invitae Variant Classification Sherloc (09022015). Collection method: clinical testing. Allele origin: germline.
Comment: Advanced modeling of protein sequence and biophysical properties (such as structural, functional, and spatial information, amino acid conservation, physicochemical variation, residue mobility, and thermodynamic stability) performed at Invitae indicates that this missense variant is not expected to disrupt ATM protein function. This variant has not been reported in the literature in individuals affected with ATM-related conditions. This variant is not present in population databases (gnomAD no frequency). In summary, the available evidence is currently insufficient to determine the role of this variant in disease. Therefore, it has been classified as a Variant of Uncertain Significance. This sequence change replaces serine, which is neutral and polar, with cysteine, which is neutral and slightly polar, at codon 1105 of the ATM protein (p.Ser1105Cys).